The following is an entry in ClinVar:

ClinVar aggregate classification (germline): Uncertain significance (1 of 4 stars; one submission).

Submission:

Institute for Clinical Genetics, University Hospital TU Dresden, University Hospital TU Dresden
Classification: Uncertain significance. Last evaluated: 2022-06-21. Review status: criteria provided, single submitter. Criteria: ACMG Guidelines, 2015. Collection method: clinical testing. Allele origin: de novo.
Comment: PM2_SUP

NM_021814.5(ELOVL5):c.702C>A (p.Phe234Leu)

Gene: ELOVL5 (ELOVL fatty acid elongase 5; minus strand). Cytogenetic location: 6p12.1.
Variant type: single nucleotide variant.
Coding change: c.702C>A on transcript NM_021814.5 (MANE Select); coding-DNA position 702, C replaced by A.
Protein change: p.Phe234Leu; replaces phenylalanine 234 with leucine.
Molecular consequence: missense variant.
Genome position (GRCh38, 1-based): chr6:53,270,647, G>T on the plus strand (C>A on the coding strand, the complement: ELOVL5 is on the minus strand). VCF-style: chr6-53270647-G-T. GRCh37 (hg19) VCF-style: chr6-53135445-G-T.
Other names: c.783C>A, p.Phe261Leu (NM_001242828.2); c.577C>A, p.Pro193Thr (NM_001242830.2); c.702C>A, p.Phe234Leu (NM_001301856.2); short protein forms F234L, F261L, P193T.
Identifiers: ClinVar variation 2576184 (VCV002576184.1), dbSNP rs1561860638, ClinGen allele CA364474244.